The following is an entry in ClinVar:

ClinVar aggregate classification (germline): Uncertain significance (1 of 4 stars; one submission).

Submission:

Ambry Genetics
Classification: Uncertain significance. Last evaluated: 2025-12-23. Review status: criteria provided, single submitter. Criteria: Ambry Variant Classification Scheme 2023. Collection method: clinical testing. Allele origin: germline.
Comment: The p.M257V variant (also known as c.769A>G), located in coding exon 5 of the ATRIP gene, results from an A to G substitution at nucleotide position 769. The methionine at codon 257 is replaced by valine, an amino acid with highly similar properties. This amino acid position is conserved. In addition, this alteration is predicted to be tolerated by in silico analysis. Based on the available evidence, the clinical significance of this variant remains unclear.

NM_130384.3(ATRIP):c.769A>G (p.Met257Val)

Genes: ATRIP (ATR interacting protein; plus strand), ATRIP-TREX1 (ATRIP-TREX1 readthrough; plus strand). Cytogenetic location: 3p21.31.
Variant type: single nucleotide variant.
Coding change: c.769A>G on transcript NM_130384.3 (MANE Select); coding-DNA position 769, A replaced by G.
Protein change: p.Met257Val; replaces methionine 257 with valine.
Molecular consequence: missense variant. On other transcripts: non-coding transcript variant (1).
Genome position (GRCh38, 1-based): chr3:48,457,356, A>G. VCF-style: chr3-48457356-A-G. GRCh37 (hg19) VCF-style: chr3-48498756-A-G.
Other names: c.388A>G, p.Met130Val (NM_001271022.2); c.490A>G, p.Met164Val (NM_001271023.2); c.769A>G, p.Met257Val (NM_032166.4); short protein forms M257V, M130V, M164V.
Identifiers: ClinVar variation 4842169 (VCV004842169.1).